The following is an entry in ClinVar:

ClinVar aggregate classification (germline): Likely benign (0 of 4 stars; one submission).

Conditions:
NRXN3-related disorder. Also called: NRXN3-related condition.

Allele frequency attached by ClinVar (database versions not stated): TOPMed 0.00009; gnomAD 0.00012; ESP Exome Variant Server 0.00017; ExAC 0.00028.
gnomAD v4.1: 248 of 1,590,508 alleles (0.016%); highest among the groups gnomAD compares: Non-Finnish European, 0.02%; no homozygotes.

Submission:

PreventionGenetics, part of Exact Sciences
Classification: Likely benign for NRXN3-related condition. Last evaluated: 2023-06-22. Review status: no assertion criteria provided. Collection method: clinical testing. Allele origin: germline.
Comment: This variant is classified as likely benign based on ACMG/AMP sequence variant interpretation guidelines (Richards et al. 2015 PMID: 25741868, with internal and published modifications).

NM_001330195.2(NRXN3):c.1035C>T (p.Val345=)

Gene: NRXN3 (neurexin 3; plus strand). Cytogenetic location: 14q24.3.
Variant type: single nucleotide variant.
Coding change: c.1035C>T on transcript NM_001330195.2 (MANE Select); coding-DNA position 1035, C replaced by T.
Protein change: p.Val345=; no amino-acid change (valine 345 retained).
Molecular consequence: synonymous variant. On other transcripts: 5 prime UTR variant (1), non-coding transcript variant (4).
Genome position (GRCh38, 1-based): chr14:78,645,397, C>T. VCF-style: chr14-78645397-C-T. GRCh37 (hg19) VCF-style: chr14-79111740-C-T.
Other names: c.1035C>T, p.Val345= (NM_001366425.1); c.1047C>T, p.Val349= (NM_001366426.1); c.-85C>T (NM_004796.6).
Identifiers: ClinVar variation 3046824 (VCV003046824.2), dbSNP rs202029628, ClinGen allele CA7291516.